The following is an entry in ClinVar:

ClinVar aggregate classification (germline): Conflicting classifications of pathogenicity. Review status: criteria provided, conflicting classifications (1 of 4 stars). 3 submissions from 3 submitters: Uncertain significance (2); Likely benign (1). Last evaluated 2026-02-01.

Conditions:
Ullrich congenital muscular dystrophy 2 (UCMD2). Identifiers: Orphanet 75840, MedGen C4225314, MONDO:0014654, OMIM 616470.
Bethlem myopathy 2 (BTHLM2). Identifiers: Orphanet 536516, Orphanet 610, MedGen C4225313, MONDO:0034022, OMIM 616471.

Allele frequency attached by ClinVar (database versions not stated): gnomAD exomes below 0.00001; TOPMed below 0.00001; ExAC 0.00001; gnomAD 0.00001.
gnomAD v4.1: 4 of 1,614,094 alleles (0.00025%); highest among the groups gnomAD compares: African/African-American, 0.0013%; no homozygotes.

Submissions (3):

CeGaT Center for Human Genetics Tuebingen
Classification: Likely benign. Last evaluated: 2026-02-01. Review status: criteria provided, single submitter. Criteria: CeGaT Center For Human Genetics Tuebingen Variant Classification Criteria Version 2. Collection method: clinical testing. Allele origin: germline. Affected: yes. Observed: 1 variant allele.
Comment: COL12A1: BP4

Women's Health and Genetics/Laboratory Corporation of America, LabCorp
Classification: Uncertain significance. Last evaluated: 2025-12-23. Review status: criteria provided, single submitter. Criteria: LabCorp Variant Classification Summary - May 2015. Collection method: clinical testing. Allele origin: germline.
Comment: Variant summary: COL12A1 c.1492A>G (p.Thr498Ala) results in a non-conservative amino acid change in the encoded protein sequence. Algorithms developed to predict the effect of missense changes on protein structure and function are either unavailable or do not agree on the potential impact of this missense change. The variant allele was found at a frequency of 4e-06 in 249182 control chromosomes. The available data on variant occurrences in the general population are insufficient to allow any conclusion about variant significance. To our knowledge, no occurrence of c.1492A>G in individuals affected with COL12A1-related conditions and no experimental evidence demonstrating its impact on protein function have been reported. ClinVar contains an entry for this variant (Variation ID: 659342). Based on the evidence outlined above, the variant was classified as uncertain significance.

Labcorp Genetics (formerly Invitae), Labcorp
Classification: Uncertain significance for Bethlem myopathy 2; Ullrich congenital muscular dystrophy 2. Last evaluated: 2025-07-27. Review status: criteria provided, single submitter. Criteria: Invitae Variant Classification Sherloc (09022015). Collection method: clinical testing. Allele origin: germline.
Comment: This sequence change replaces threonine, which is neutral and polar, with alanine, which is neutral and non-polar, at codon 498 of the COL12A1 protein (p.Thr498Ala). This variant is present in population databases (rs753897086, gnomAD 0.0009%). This variant has not been reported in the literature in individuals affected with COL12A1-related conditions. ClinVar contains an entry for this variant (Variation ID: 659342). Invitae Evidence Modeling of protein sequence and biophysical properties (such as structural, functional, and spatial information, amino acid conservation, physicochemical variation, residue mobility, and thermodynamic stability) indicates that this missense variant is not expected to disrupt COL12A1 protein function with a negative predictive value of 80%. In summary, the available evidence is currently insufficient to determine the role of this variant in disease. Therefore, it has been classified as a Variant of Uncertain Significance.

NM_004370.6(COL12A1):c.1492A>G (p.Thr498Ala)

Gene: COL12A1 (collagen type XII alpha 1 chain; minus strand). Cytogenetic location: 6q13.
Variant type: single nucleotide variant.
Coding change: c.1492A>G on transcript NM_004370.6 (MANE Select); coding-DNA position 1492, A replaced by G.
Protein change: p.Thr498Ala; replaces threonine 498 with alanine.
Molecular consequence: missense variant. On other transcripts: intron variant (1).
Genome position (GRCh38, 1-based): chr6:75,183,449, T>C on the plus strand (A>G on the coding strand, the complement: COL12A1 is on the minus strand). VCF-style: chr6-75183449-T-C. GRCh37 (hg19) VCF-style: chr6-75893165-T-C.
Other names: c.73+19271A>G (NM_080645.3); short protein forms T498A.
Identifiers: ClinVar variation 659342 (VCV000659342.16), dbSNP rs753897086, ClinGen allele CA3894191.